The following is an entry in ClinVar:

NM_001367624.2(ZNF469):c.2669G>T (p.Gly890Val)

Gene: ZNF469 (zinc finger protein 469; plus strand). Cytogenetic location: 16q24.2.
Variant type: single nucleotide variant.
Coding change: c.2669G>T on transcript NM_001367624.2 (MANE Select); coding-DNA position 2669, G replaced by T.
Protein change: p.Gly890Val; replaces glycine 890 with valine.
Molecular consequence: missense variant.
Genome position (GRCh38, 1-based): chr16:88,430,139, G>T. VCF-style: chr16-88430139-G-T. GRCh37 (hg19) VCF-style: chr16-88496547-G-T.
Other names: NM_001127464.1:c.2669G>T; short protein forms G890V.
Identifiers: ClinVar variation 1936219 (VCV001936219.6), dbSNP rs779602484, ClinGen allele CA397074460.

ClinVar aggregate classification (germline): Uncertain significance. Review status: criteria provided, multiple submitters, no conflicts (2 of 4 stars). 2 submissions from 2 submitters: Uncertain significance (2). Last evaluated 2023-04-18.

Conditions:
Cardiovascular phenotype. Identifiers: MedGen CN230736.

gnomAD v4.1: 8 of 1,550,014 alleles (0.00052%); highest among the groups gnomAD compares: Non-Finnish European, 0.0007%; no homozygotes.

Submissions (2):

Ambry Genetics
Classification: Uncertain significance for Cardiovascular phenotype. Last evaluated: 2023-04-18. Review status: criteria provided, single submitter. Criteria: Ambry Variant Classification Scheme 2023. Collection method: clinical testing. Allele origin: germline.

Labcorp Genetics (formerly Invitae), Labcorp
Classification: Uncertain significance. Last evaluated: 2022-06-27. Review status: criteria provided, single submitter. Criteria: Invitae Variant Classification Sherloc (09022015). Collection method: clinical testing. Allele origin: germline.
Comment: In summary, the available evidence is currently insufficient to determine the role of this variant in disease. Therefore, it has been classified as a Variant of Uncertain Significance. Algorithms developed to predict the effect of missense changes on protein structure and function are either unavailable or do not agree on the potential impact of this missense change (SIFT: "Deleterious"; PolyPhen-2: "Possibly Damaging"; Align-GVGD: "Class C0"). This variant has not been reported in the literature in individuals affected with ZNF469-related conditions. This variant is present in population databases (no rsID available, gnomAD 0.002%). This sequence change replaces glycine, which is neutral and non-polar, with valine, which is neutral and non-polar, at codon 890 of the ZNF469 protein (p.Gly890Val).